The following is an entry in ClinVar:

ClinVar aggregate classification (germline): Uncertain significance (1 of 4 stars; one submission).

Submission:

Labcorp Genetics (formerly Invitae), Labcorp
Classification: Uncertain significance. Last evaluated: 2024-01-31. Review status: criteria provided, single submitter. Criteria: Invitae Variant Classification Sherloc (09022015). Collection method: clinical testing. Allele origin: germline.
Comment: This sequence change replaces aspartic acid, which is acidic and polar, with glycine, which is neutral and non-polar, at codon 1415 of the POLA1 protein (p.Asp1415Gly). This variant is not present in population databases (gnomAD no frequency). This variant has not been reported in the literature in individuals affected with POLA1-related conditions. An algorithm developed to predict the effect of missense changes on protein structure and function (PolyPhen-2) suggests that this variant is likely to be tolerated. In summary, the available evidence is currently insufficient to determine the role of this variant in disease. Therefore, it has been classified as a Variant of Uncertain Significance.

NM_001330360.2(POLA1):c.4262A>G (p.Asp1421Gly)

Gene: POLA1 (DNA polymerase alpha 1, catalytic subunit; plus strand). Cytogenetic location: Xp21.3.
Variant type: single nucleotide variant.
Coding change: c.4262A>G on transcript NM_001330360.2 (MANE Select); coding-DNA position 4262, A replaced by G.
Protein change: p.Asp1421Gly; replaces aspartic acid 1421 with glycine.
Molecular consequence: missense variant. On other transcripts: non-coding transcript variant (2).
Genome position (GRCh38, 1-based): chrX:24,995,805, A>G. VCF-style: chrX-24995805-A-G. GRCh37 (hg19) VCF-style: chrX-25013922-A-G.
Other names: c.4187A>G, p.Asp1396Gly (NM_001378303.1); c.4244A>G, p.Asp1415Gly (NM_016937.4); short protein forms D1415G, D1396G, D1421G.
Identifiers: ClinVar variation 2714610 (VCV002714610.3), dbSNP rs2519086980, ClinGen allele CA412609244.